The following is an entry in ClinVar:

ClinVar aggregate classification (germline): Uncertain significance (1 of 4 stars; one submission).

Conditions:
Cone-rod dystrophy 2 (CORD2). Also called: Cone-rod retinal dystrophy 2; CONE-ROD RETINAL DYSTROPHY. Identifiers: Orphanet 1872, MedGen C3489532, MONDO:0007362, OMIM 120970.
Leber congenital amaurosis 7 (LCA7). Identifiers: Orphanet 65, MedGen C3151192, MONDO:0013449, OMIM 613829.

Allele frequency attached by ClinVar (database versions not stated): TOPMed below 0.00001; ExAC 0.00001; gnomAD 0.00001.
gnomAD v4.1: 11 of 1,612,662 alleles (0.00068%); highest among the groups gnomAD compares: South Asian, 0.0011%; no homozygotes.

Submission:

Labcorp Genetics (formerly Invitae), Labcorp
Classification: Uncertain significance for Cone-rod dystrophy 2; Leber congenital amaurosis 7. Last evaluated: 2019-07-22. Review status: criteria provided, single submitter. Criteria: Invitae Variant Classification Sherloc (09022015). Collection method: clinical testing. Allele origin: germline.
Comment: This sequence change falls in intron 3 of the CRX gene. It does not directly change the encoded amino acid sequence of the CRX protein. This variant is present in population databases (rs754128724, ExAC 0.006%). Algorithms developed to predict the effect of sequence changes on RNA splicing suggest that this variant may disrupt the consensus splice site, but this prediction has not been confirmed by published transcriptional studies. In summary, the available evidence is currently insufficient to determine the role of this variant in disease. Therefore, it has been classified as a Variant of Uncertain Significance.

NM_000554.6(CRX):c.253-7C>G

Gene: CRX (cone-rod homeobox; plus strand). Cytogenetic location: 19q13.33.
Variant type: single nucleotide variant.
Coding change: c.253-7C>G on transcript NM_000554.6 (MANE Select); 7 bases into the intron before coding-DNA position 253, C replaced by G.
Molecular consequence: intron variant.
Genome position (GRCh38, 1-based): chr19:47,839,313, C>G. VCF-style: chr19-47839313-C-G. GRCh37 (hg19) VCF-style: chr19-48342570-C-G.
Identifiers: ClinVar variation 954343 (VCV000954343.9), dbSNP rs754128724, ClinGen allele CA9544449.